The following is an entry in ClinVar:

NM_007294.4(BRCA1):c.5023_5025del (p.Thr1675del)

Gene: BRCA1 (BRCA1 DNA repair associated; minus strand). Cytogenetic location: 17q21.31.
Variant type: Deletion.
Coding change: c.5023_5025del on transcript NM_007294.4 (MANE Select); coding-DNA positions 5023 to 5025, 3 bases deleted (ACT; older notation c.5023_5025delACT).
Protein change: p.Thr1675del; deletes threonine 1675.
Molecular consequence: inframe deletion. On other transcripts: inframe indel (1), intron variant (1).
Genome position (GRCh38, 1-based): chr17:43,067,657-43,067,659, AGT deleted on the plus strand (ACT on the coding strand, the reverse complement: BRCA1 is on the minus strand). VCF-style (leftmost placement, unchanged base first): chr17-43067656-AAGT-A. GRCh37 (hg19) VCF-style: chr17-41219673-AAGT-A.
Other names: c.5020_5022del, p.Thr1674del (NM_001407858.1, NM_001407859.1, NM_001407860.1 and 17 more transcripts); c.4945_4947del, p.Thr1649del (NM_001407655.1, NM_001407653.1, NM_001407654.1); c.4942_4944del, p.Thr1648del (NM_001407656.1, NM_001407657.1, NM_001407658.1); c.4939_4941del, p.Thr1647del (NM_001407659.1, NM_001407660.1, NM_001407661.1 and 2 more transcripts); c.4900_4902del, p.Thr1634del (NM_001407664.1, NM_001407665.1, NM_001407666.1 and 6 more transcripts); c.4897_4899del, p.Thr1633del (NM_001407670.1, NM_001407671.1, NM_001407672.1 and 11 more transcripts); c.4894_4896del, p.Thr1632del (NM_001407681.1, NM_001407682.1, NM_001407683.1 and 6 more transcripts); c.5023_5025del, p.Thr1675del (NM_001407684.1, NM_001407854.1, NM_001407593.1 and 8 more transcripts); and 72 more; short protein forms T1547del, T1604del, T1605del, T1626del, T1634del, T1671del, T1673del, T1675del.
Identifiers: ClinVar variation 2585823 (VCV002585823.2), dbSNP rs2550305285, ClinGen allele CA2582342172.

ClinVar aggregate classification (germline): Uncertain significance (1 of 4 stars; one submission).

Conditions:
Hereditary cancer-predisposing syndrome. Also called: Hereditary neoplastic syndrome; Tumor predisposition; Hereditary Cancer Syndrome; Neoplastic Syndromes, Hereditary. Identifiers: Orphanet 140162, MedGen C0027672, MeSH D009386, MONDO:0015356.

Submission:

Ambry Genetics
Classification: Uncertain significance for Hereditary cancer-predisposing syndrome. Last evaluated: 2023-06-30. Review status: criteria provided, single submitter. Criteria: Ambry Variant Classification Scheme 2023. Collection method: clinical testing. Allele origin: germline.
Comment: The c.5023_5025delACT variant (also known as p.T1675del) is located in coding exon 15 of the BRCA1 gene. This variant results from an in-frame ACT deletion at nucleotide positions 5023 to 5025. This results in the in-frame deletion of a threonine at codon 1675. This amino acid position is not well conserved in available vertebrate species. In addition, this alteration is predicted to be neutral by in silico analysis (Choi Y et al. PLoS ONE. 2012; 7(10):e46688). Since supporting evidence is limited at this time, the clinical significance of this alteration remains unclear.